The following is an entry in ClinVar:

NM_014795.4(ZEB2):c.375G>A (p.Thr125=)

Gene: ZEB2 (zinc finger E-box binding homeobox 2; minus strand). Cytogenetic location: 2q22.3.
Variant type: single nucleotide variant.
Coding change: c.375G>A on transcript NM_014795.4 (MANE Select); coding-DNA position 375, G replaced by A.
Protein change: p.Thr125=; no amino-acid change (threonine 125 retained).
Molecular consequence: synonymous variant. On other transcripts: intron variant (1).
Genome position (GRCh38, 1-based): chr2:144,424,824, C>T on the plus strand (G>A on the coding strand, the complement: ZEB2 is on the minus strand). VCF-style: chr2-144424824-C-T. GRCh37 (hg19) VCF-style: chr2-145182391-C-T.
Other names: p.T125T:ACG>ACA; c.331+4945G>A (NM_001171653.2).
Identifiers: ClinVar variation 137956 (VCV000137956.14), dbSNP rs138389836, ClinGen allele CA291684.

ClinVar aggregate classification (germline): Benign. Review status: criteria provided, multiple submitters, no conflicts (2 of 4 stars). 3 submissions from 3 submitters: Benign (3). Last evaluated 2023-09-05.

Conditions:
Mowat-Wilson syndrome (MOWS). Also called: Classic Mowat-Wilson Syndrome. Identifiers: Orphanet 2152, MedGen C1856113, MONDO:0009341, OMIM 235730.

Allele frequency attached by ClinVar (database versions not stated): TOPMed 0.00009; ExAC 0.00012; 1000 Genomes Project 30x 0.00078; gnomAD 0.00007 and 0.00005; gnomAD exomes 0.00001 and 0.00009; 1000 Genomes Project 0.00060.
gnomAD v4.1: 30 of 1,614,036 alleles (0.0019%); highest among the groups gnomAD compares: East Asian, 0.06%; no homozygotes.

Submissions (3):

Labcorp Genetics (formerly Invitae), Labcorp
Classification: Benign for Mowat-Wilson syndrome. Last evaluated: 2023-09-05. Review status: criteria provided, single submitter. Criteria: Invitae Variant Classification Sherloc (09022015). Collection method: clinical testing. Allele origin: germline.

Genome-Nilou Lab
Classification: Benign for Mowat-Wilson syndrome. Last evaluated: 2021-11-07. Review status: criteria provided, single submitter. Criteria: ACMG Guidelines, 2015. Collection method: clinical testing. Allele origin: germline. Affected: no.

GeneDx
Classification: Benign. Last evaluated: 2014-05-07. Review status: criteria provided, single submitter. Criteria: GeneDx Variant Classification (06012015). Collection method: clinical testing. Allele origin: germline. Affected: yes.
Comment: This variant is considered likely benign or benign based on one or more of the following criteria: it is a conservative change, it occurs at a poorly conserved position in the protein, it is predicted to be benign by multiple in silico algorithms, and/or has population frequency not consistent with disease.